The following is an entry in ClinVar:

ClinVar aggregate classification (germline): Uncertain significance. Review status: criteria provided, multiple submitters, no conflicts (2 of 4 stars). 3 submissions from 3 submitters: Uncertain significance (3). Last evaluated 2026-04-27.

Conditions:
PKD1-related disorder. Also called: PKD1-related condition.
Polycystic kidney disease, adult type (PKD1). Also called: Polycystic Kidney Disease 1, Autosomal Dominant; Polycystic kidney disease 1; Polycystic kidney disease 1, severe; Polycystic Kidney, Autosomal Dominant; POLYCYSTIC KIDNEY DISEASE, ADULT, TYPE I; POLYCYSTIC KIDNEY DISEASE 1 WITH OR WITHOUT POLYCYSTIC LIVER DISEASE. Identifiers: MedGen C3149841, MONDO:0008263, OMIM 173900.

gnomAD v4.1: 6 of 1,609,974 alleles (0.00037%); highest among the groups gnomAD compares: Non-Finnish European, 0.00051%; no homozygotes.

Submissions (3):

PreventionGenetics, part of Exact Sciences
Classification: Uncertain significance for PKD1-related condition. Last evaluated: 2026-04-27. Review status: criteria provided, single submitter. Criteria: ACMG Guidelines, 2015. Collection method: clinical testing. Allele origin: germline.
Comment: The PKD1 c.11492G>A variant is predicted to result in the amino acid substitution p.Arg3831His. To our knowledge, this variant has not been reported in the literature. This variant is reported in 0.00097% of alleles in individuals of European (Non-Finnish) descent in gnomAD. At this time, the clinical significance of this variant is uncertain due to the absence of conclusive functional and genetic evidence.

Fulgent Genetics
Classification: Uncertain significance for Polycystic kidney disease, adult type. Last evaluated: 2024-04-17. Review status: criteria provided, single submitter. Criteria: ACMG Guidelines, 2015. Collection method: clinical testing. Allele origin: germline.

Department of Pathology and Laboratory Medicine, Sinai Health System
Classification: Uncertain significance for Polycystic kidney disease, adult type. Last evaluated: 2020-08-07. Review status: criteria provided, single submitter. Criteria: ACMG Guidelines, 2015. Collection method: research. Allele origin: germline.

NM_001009944.3(PKD1):c.11492G>A (p.Arg3831His)

Genes: PKD1 (polycystin 1, transient receptor potential channel interacting; minus strand), PKD1-AS1 (PKD1 antisense RNA 1; plus strand). Cytogenetic location: 16p13.3.
Variant type: single nucleotide variant.
Coding change: c.11492G>A on transcript NM_001009944.3 (MANE Select); coding-DNA position 11492, G replaced by A.
Protein change: p.Arg3831His; replaces arginine 3831 with histidine.
Molecular consequence: missense variant.
Genome position (GRCh38, 1-based): chr16:2,091,826, C>T on the plus strand (G>A on the coding strand, the complement: PKD1 is on the minus strand). VCF-style: chr16-2091826-C-T. GRCh37 (hg19) VCF-style: chr16-2141827-C-T.
Other names: c.11489G>A, p.Arg3830His (NM_000296.4); short protein forms R3831H, R3830H.
Identifiers: ClinVar variation 3578926 (VCV003578926.3).
Genomic context (GRCh38, chr16:2,091,826, plus strand): 5'-GGAGGGAGCTCCCACCTGTTGTCCAGCCAGTTGTGCAGCTGCAGGAAGCGCAGCCGGTCG[C>T]GGCTCTCCTCCAGGCTCAGGCCCAGCTCCTGCACGTAGCCCCCGCTGTCATACACGGCAC-3'
Protein context (NP_001009944.3, residues 3821-3841): QELGLSLEES[Arg3831His]DRLRFLQLHN